The following is an entry in ClinVar:

ClinVar aggregate classification (germline): Likely benign. Review status: criteria provided, multiple submitters, no conflicts (2 of 4 stars). 3 submissions from 3 submitters: Likely benign (3). Last evaluated 2025-12-29.

Conditions:
Hypokalemic periodic paralysis, type 1. Also called: Hypokalemic Periodic Paralysis Type 1 (AD); HypoPP. Identifiers: Orphanet 681, MedGen C3714580, MONDO:0042979, OMIM 170400.
Malignant hyperthermia, susceptibility to, 5 (MHS5). Also called: CACNA1S-Related Malignant Hyperthermia Susceptibility. Identifiers: Orphanet 423, MedGen C1866077, MONDO:0011163, OMIM 601887.

Allele frequency attached by ClinVar (database versions not stated): gnomAD 0.00002; gnomAD exomes 0.00002 and 0.00004; TOPMed 0.00002; ExAC 0.00003.
gnomAD v4.1: 34 of 1,614,018 alleles (0.0021%); highest among the groups gnomAD compares: South Asian, 0.0088%; no homozygotes.

Submissions (3):

Labcorp Genetics (formerly Invitae), Labcorp
Classification: Likely benign for Hypokalemic periodic paralysis, type 1; Malignant hyperthermia, susceptibility to, 5. Last evaluated: 2025-12-29. Review status: criteria provided, single submitter. Criteria: Invitae Variant Classification Sherloc (09022015). Collection method: clinical testing. Allele origin: germline.

Color Diagnostics, LLC DBA Color Health
Classification: Likely benign for Malignant hyperthermia, susceptibility to, 5. Last evaluated: 2025-06-23. Review status: criteria provided, single submitter. Criteria: ACMG Guidelines, 2015. Collection method: clinical testing. Allele origin: germline.

CeGaT Center for Human Genetics Tuebingen
Classification: Likely benign. Last evaluated: 2024-10-01. Review status: criteria provided, single submitter. Criteria: CeGaT Center For Human Genetics Tuebingen Variant Classification Criteria Version 2. Collection method: clinical testing. Allele origin: germline. Affected: yes. Observed: 1 variant allele.
Comment: CACNA1S: BP4, BP7

NM_000069.3(CACNA1S):c.735C>T (p.Cys245=)

Gene: CACNA1S (calcium voltage-gated channel subunit alpha1 S; minus strand). Cytogenetic location: 1q32.1.
Variant type: single nucleotide variant.
Coding change: c.735C>T on transcript NM_000069.3 (MANE Select); coding-DNA position 735, C replaced by T.
Protein change: p.Cys245=; no amino-acid change (cysteine 245 retained).
Molecular consequence: synonymous variant.
Genome position (GRCh38, 1-based): chr1:201,089,423, G>A on the plus strand (C>T on the coding strand, the complement: CACNA1S is on the minus strand). VCF-style: chr1-201089423-G-A. GRCh37 (hg19) VCF-style: chr1-201058551-G-A.
Identifiers: ClinVar variation 1634828 (VCV001634828.23), dbSNP rs768251314, ClinGen allele CA083978.